The following is an entry in ClinVar:

ClinVar aggregate classification (germline): Uncertain significance. Review status: criteria provided, multiple submitters, no conflicts (2 of 4 stars). 2 submissions from 2 submitters: Uncertain significance (2). Last evaluated 2025-04-01.

Conditions:
Epileptic encephalopathy. Identifiers: MedGen C0543888, HP:0200134.

Allele frequency attached by ClinVar (database versions not stated): TOPMed below 0.00001; gnomAD 0.00001; ExAC 0.00002; gnomAD exomes 0.00002.
gnomAD v4.1: 32 of 1,613,812 alleles (0.002%); highest among the groups gnomAD compares: Non-Finnish European, 0.0026%; no homozygotes.

Submissions (2):

Ambry Genetics
Classification: Uncertain significance. Last evaluated: 2025-04-01. Review status: criteria provided, single submitter. Criteria: Ambry Variant Classification Scheme 2023. Collection method: clinical testing. Allele origin: germline.

Labcorp Genetics (formerly Invitae), Labcorp
Classification: Uncertain significance for Epileptic encephalopathy. Last evaluated: 2020-11-05. Review status: criteria provided, single submitter. Criteria: Invitae Variant Classification Sherloc (09022015). Collection method: clinical testing. Allele origin: germline.
Comment: This sequence change replaces phenylalanine with leucine at codon 3265 of the RYR3 protein (p.Phe3265Leu). The phenylalanine residue is highly conserved and there is a small physicochemical difference between phenylalanine and leucine. This variant is present in population databases (rs762093960, ExAC 0.003%). This variant has not been reported in the literature in individuals with RYR3-related conditions. Algorithms developed to predict the effect of missense changes on protein structure and function are either unavailable or do not agree on the potential impact of this missense change (SIFT: "Deleterious"; PolyPhen-2: "Probably Damaging"; Align-GVGD: "Class C0"). In summary, the available evidence is currently insufficient to determine the role of this variant in disease. Therefore, it has been classified as a Variant of Uncertain Significance.

NM_001036.6(RYR3):c.9795C>G (p.Phe3265Leu)

Gene: RYR3 (ryanodine receptor 3; plus strand). Cytogenetic location: 15q14.
Variant type: single nucleotide variant.
Coding change: c.9795C>G on transcript NM_001036.6 (MANE Select); coding-DNA position 9795, C replaced by G.
Protein change: p.Phe3265Leu; replaces phenylalanine 3265 with leucine.
Molecular consequence: missense variant.
Genome position (GRCh38, 1-based): chr15:33,788,423, C>G. VCF-style: chr15-33788423-C-G. GRCh37 (hg19) VCF-style: chr15-34080624-C-G.
Other names: c.9795C>G (NM_001036.3); c.9795C>G, p.Phe3265Leu (NM_001243996.4); short protein forms F3265L.
Identifiers: ClinVar variation 1496975 (VCV001496975.9), dbSNP rs762093960, ClinGen allele CA7460606.